The following is an entry in ClinVar:

NM_014795.4(ZEB2):c.361G>C (p.Gly121Arg)

Gene: ZEB2 (zinc finger E-box binding homeobox 2; minus strand). Cytogenetic location: 2q22.3.
Variant type: single nucleotide variant.
Coding change: c.361G>C on transcript NM_014795.4 (MANE Select); coding-DNA position 361, G replaced by C.
Protein change: p.Gly121Arg; replaces glycine 121 with arginine.
Molecular consequence: missense variant. On other transcripts: intron variant (1).
Genome position (GRCh38, 1-based): chr2:144,424,838, C>G on the plus strand (G>C on the coding strand, the complement: ZEB2 is on the minus strand). VCF-style: chr2-144424838-C-G. GRCh37 (hg19) VCF-style: chr2-145182405-C-G.
Other names: c.331+4931G>C (NM_001171653.2); short protein forms G121R.
Identifiers: ClinVar variation 1429112 (VCV001429112.9), dbSNP rs1703670742, ClinGen allele CA348717432.
Genomic context (GRCh38, chr2:144,424,838, plus strand): 5'-GTGGCCAACATAACTCACCTGTACCATTGTTAATTGCGGTCTGGATCGTGGCTTCTGGCC[C>G]CATAGTGTCATAGTCTTCCTTCATTTCTTCTGTGGGGGAAAATTATCTTTAGCATTTGAG-3'
Protein context (NP_055610.1, residues 111-131): EEMKEDYDTM[Gly121Arg]PEATIQTAIN

ClinVar aggregate classification (germline): Uncertain significance. Review status: criteria provided, multiple submitters, no conflicts (2 of 4 stars). 2 submissions from 2 submitters: Uncertain significance (2). Last evaluated 2023-11-27.

Conditions:
Mowat-Wilson syndrome (MOWS). Also called: Classic Mowat-Wilson Syndrome. Identifiers: Orphanet 2152, MedGen C1856113, MONDO:0009341, OMIM 235730.

gnomAD v4.1: 1 of 1,613,976 alleles (0.000062%); highest among the groups gnomAD compares: Admixed American, 0.0017%; no homozygotes.

Submissions (2):

Labcorp Genetics (formerly Invitae), Labcorp
Classification: Uncertain significance for Mowat-Wilson syndrome. Last evaluated: 2023-11-27. Review status: criteria provided, single submitter. Criteria: Invitae Variant Classification Sherloc (09022015). Collection method: clinical testing. Allele origin: germline.
Comment: This sequence change replaces glycine, which is neutral and non-polar, with arginine, which is basic and polar, at codon 121 of the ZEB2 protein (p.Gly121Arg). This variant is not present in population databases (gnomAD no frequency). This variant has not been reported in the literature in individuals affected with ZEB2-related conditions. ClinVar contains an entry for this variant (Variation ID: 1429112). An algorithm developed to predict the effect of missense changes on protein structure and function (PolyPhen-2) suggests that this variant is likely to be disruptive. In summary, the available evidence is currently insufficient to determine the role of this variant in disease. Therefore, it has been classified as a Variant of Uncertain Significance.

Blueprint Genetics
Classification: Uncertain significance. Last evaluated: 2019-01-15. Review status: criteria provided, single submitter. Criteria: ACMG Guidelines, 2015. Collection method: clinical testing. Allele origin: germline.